The following is an entry in ClinVar:

NM_024675.4(PALB2):c.2295del (p.Ser766fs)

Gene: PALB2 (partner and localizer of BRCA2; minus strand). Cytogenetic location: 16p12.2.
Variant type: Deletion.
Coding change: c.2295del on transcript NM_024675.4 (MANE Select); coding-DNA position 2295, one base deleted (C; older notation c.2295delC).
Protein change: p.Ser766fs; shifts the reading frame from serine 766.
Molecular consequence: frameshift variant.
Genome position (GRCh38, 1-based): chr16:23,629,859, G deleted on the plus strand (C on the coding strand, the reverse complement: PALB2 is on the minus strand). VCF-style (leftmost placement, unchanged base first): chr16-23629858-AG-A. GRCh37 (hg19) VCF-style: chr16-23641179-AG-A.
Other names: c.2295delC (NM_024675.3); short protein forms S766fs.
Identifiers: ClinVar variation 650900 (VCV000650900.7), dbSNP rs1597089469, ClinGen allele CA915949185.
Genomic context (GRCh38, chr16:23,629,858, plus strand): 5'-GTGGTTTTGCTGGGCTGCCTGAACTGTCGAATTGTTTAGTATCACTGGCAAGACAGACTG[AG>A]TCTTTCAAATGAGCAAGTTGGGGTGTGCAGCAAGTTCGTCCAGCAACTTCTGTAGATGCT-3'

ClinVar aggregate classification (germline): Pathogenic (1 of 4 stars; one submission).

Conditions:
Familial cancer of breast. Also called: hereditary breast carcinoma; Hereditary breast cancer; BREAST CANCER, FAMILIAL. Identifiers: Orphanet 227535, MedGen C0346153, MONDO:0016419, OMIM 114480. Disease mechanism: loss of function.

Submission:

Labcorp Genetics (formerly Invitae), Labcorp
Classification: Pathogenic for Familial cancer of breast. Last evaluated: 2022-08-16. Review status: criteria provided, single submitter. Criteria: Invitae Variant Classification Sherloc (09022015). Collection method: clinical testing. Allele origin: germline.
Comment: For these reasons, this variant has been classified as Pathogenic. ClinVar contains an entry for this variant (Variation ID: 650900). This variant has not been reported in the literature in individuals affected with PALB2-related conditions. This variant is not present in population databases (gnomAD no frequency). This sequence change creates a premature translational stop signal (p.Ser766Glnfs*85) in the PALB2 gene. It is expected to result in an absent or disrupted protein product. Loss-of-function variants in PALB2 are known to be pathogenic (PMID: 17200668, 17200671, 17200672, 24136930, 25099575).

Literature cited by the submitters: PubMed 17200668; PubMed 17200671; PubMed 17200672; PubMed 24136930; PubMed 25099575.